The following is an entry in ClinVar:

NM_032043.3(BRIP1):c.337A>C (p.Thr113Pro)

Gene: BRIP1 (BRCA1 interacting DNA helicase 1; minus strand). Cytogenetic location: 17q23.2.
Variant type: single nucleotide variant.
Coding change: c.337A>C on transcript NM_032043.3 (MANE Select); coding-DNA position 337, A replaced by C.
Protein change: p.Thr113Pro; replaces threonine 113 with proline.
Molecular consequence: missense variant.
Genome position (GRCh38, 1-based): chr17:61,857,100, T>G on the plus strand (A>C on the coding strand, the complement: BRIP1 is on the minus strand). VCF-style: chr17-61857100-T-G. GRCh37 (hg19) VCF-style: chr17-59934461-T-G.
Other names: short protein forms T113P.
Identifiers: ClinVar variation 483167 (VCV000483167.14), dbSNP rs1555617812, ClinGen allele CA400485338.
Genomic context (GRCh38, chr17:61,857,100, plus strand): 5'-AGGCAAAATATAAATTACCTTGACAAGTTGATGAAGTGCCATTTCTTTCAGAAGGTGGTG[T>G]GCTTGGATAGTTGAAATGACGTGAAGTTCCTTGGTTCATGTCATTGTTTGTAAAATCCTT-3'
Protein context (NP_114432.2, residues 103-123): GTSRHFNYPS[Thr113Pro]PPSERNGTSS

ClinVar aggregate classification (germline): Uncertain significance. Review status: criteria provided, multiple submitters, no conflicts (2 of 4 stars). 4 submissions from 4 submitters: Uncertain significance (3). 1 of the submissions does not count toward it. Last evaluated 2025-07-20.

Conditions:
Hereditary cancer-predisposing syndrome. Also called: Hereditary neoplastic syndrome; Neoplastic Syndromes, Hereditary; Tumor predisposition; Hereditary Cancer Syndrome. Identifiers: Orphanet 140162, MedGen C0027672, MeSH D009386, MONDO:0015356.
Fanconi anemia complementation group J. Also called: BRIP1-Related Fanconi Anemia. Identifiers: Orphanet 84, MedGen C1836860, MONDO:0012187, OMIM 609054.
Familial cancer of breast. Also called: BREAST CANCER, FAMILIAL; Hereditary breast cancer; hereditary breast carcinoma. Identifiers: Orphanet 227535, MedGen C0346153, MONDO:0016419, OMIM 114480. Disease mechanism: loss of function.

Allele frequency attached by ClinVar (database versions not stated): gnomAD exomes below 0.00001; TOPMed below 0.00001.
gnomAD v4.1: 2 of 1,614,162 alleles (0.00012%); highest among the groups gnomAD compares: Non-Finnish European, 0.00017%; no homozygotes.

Submissions (4):

Labcorp Genetics (formerly Invitae), Labcorp
Classification: Uncertain significance for Familial cancer of breast; Fanconi anemia complementation group J. Last evaluated: 2025-07-20. Review status: criteria provided, single submitter. Criteria: Invitae Variant Classification Sherloc (09022015). Collection method: clinical testing. Allele origin: germline.
Comment: This sequence change replaces threonine, which is neutral and polar, with proline, which is neutral and non-polar, at codon 113 of the BRIP1 protein (p.Thr113Pro). This variant is not present in population databases (gnomAD no frequency). This missense change has been observed in individual(s) with breast cancer (PMID: 26976419). ClinVar contains an entry for this variant (Variation ID: 483167). Invitae Evidence Modeling of protein sequence and biophysical properties (such as structural, functional, and spatial information, amino acid conservation, physicochemical variation, residue mobility, and thermodynamic stability) indicates that this missense variant is not expected to disrupt BRIP1 protein function with a negative predictive value of 95%. In summary, the available evidence is currently insufficient to determine the role of this variant in disease. Therefore, it has been classified as a Variant of Uncertain Significance.

Ambry Genetics
Classification: Uncertain significance for Hereditary cancer-predisposing syndrome. Last evaluated: 2023-12-05. Review status: criteria provided, single submitter. Criteria: Ambry Variant Classification Scheme 2023. Collection method: clinical testing. Allele origin: germline.
Comment: The p.T113P variant (also known as c.337A>C), located in coding exon 3 of the BRIP1 gene, results from an A to C substitution at nucleotide position 337. The threonine at codon 113 is replaced by proline, an amino acid with highly similar properties. This alteration has been reported in a cohort of 488 patients with stages I to III breast cancer who were tested with a 25-gene panel test (Tung N et al. J Clin Oncol, 2016 May;34:1460-8). This amino acid position is not well conserved in available vertebrate species. In addition, this alteration is predicted to be tolerated by in silico analysis. Since supporting evidence is limited at this time, the clinical significance of this alteration remains unclear.

Baylor Genetics
Classification: Uncertain significance for Familial cancer of breast. Last evaluated: 2023-11-17. Review status: criteria provided, single submitter. Criteria: ACMG Guidelines, 2015. Collection method: clinical testing. Allele origin: unknown.

Department of Pathology and Laboratory Medicine, Sinai Health System
Classification: Uncertain significance. Review status: no assertion criteria provided. Collection method: clinical testing. Allele origin: unknown. Affected: yes. Study: The Canadian Open Genetics Repository (COGR). Not counted in ClinVar's aggregate classification.
Comment: The BRIP1 p.Thr113Pro variant was not identified in the literature nor was it identified in the dbSNP database. The variant was identified in ClinVar (classified as uncertain significance by Ambry Genetics). The variant was not identified in the following control databases: the Exome Aggregation Consortium (August 8th 2016) or the Genome Aggregation Database (Feb 27, 2017). The p.Thr113 residue is not conserved in mammals and computational analyses (PolyPhen-2, SIFT, AlignGVGD, BLOSUM, MutationTaster) provide inconsistent predictions regarding the impact of the Pro variant to the protein; this information is not very predictive of pathogenicity. The variant occurs outside of the splicing consensus sequence and in silico or computational prediction software programs (SpliceSiteFinder, MaxEntScan, NNSPLICE, GeneSplicer) do not predict a difference in splicing. In summary, based on the above information, the clinical significance of this variant cannot be determined with certainty at this time. This variant is classified as a variant of uncertain significance.

Literature cited by the submitters: PubMed 26976419 (cited by Labcorp Genetics (formerly Invitae), Labcorp and Ambry Genetics).